The following is an entry in ClinVar:

ClinVar aggregate classification (germline): Uncertain significance. Review status: criteria provided, multiple submitters, no conflicts (2 of 4 stars). 3 submissions from 3 submitters: Uncertain significance (3). Last evaluated 2025-10-01.

Conditions:
Neuropathy, hereditary sensory and autonomic, type 2A (HSAN2A). Also called: ACROOSTEOLYSIS, NEUROGENIC; ACROOSTEOLYSIS, GIACCAI TYPE; MORVAN DISEASE; NEUROPATHY, CONGENITAL SENSORY; NEUROPATHY, HEREDITARY SENSORY RADICULAR, AUTOSOMAL RECESSIVE; NEUROPATHY, HEREDITARY SENSORY, TYPE IIA. Identifiers: Orphanet 970, MedGen C2752089, MONDO:0024309, OMIM 201300.
Generalized epilepsy with febrile seizures plus, type 7 (GEFSP7). Also called: GEFS+, TYPE 7. Identifiers: Orphanet 36387, MedGen C2751778, MONDO:0013470, OMIM 613863.
Inborn genetic diseases. Identifiers: MedGen C0950123, MeSH D030342.

Allele frequency attached by ClinVar (database versions not stated): ExAC 0.00002; gnomAD exomes 0.00002 and 0.00005; gnomAD 0.00003; TOPMed 0.00004.
gnomAD v4.1: 77 of 1,613,906 alleles (0.0048%); highest among the groups gnomAD compares: Non-Finnish European, 0.0064%; no homozygotes.

Submissions (3):

Labcorp Genetics (formerly Invitae), Labcorp
Classification: Uncertain significance for Neuropathy, hereditary sensory and autonomic, type 2A; Generalized epilepsy with febrile seizures plus, type 7. Last evaluated: 2025-10-01. Review status: criteria provided, single submitter. Criteria: Invitae Variant Classification Sherloc (09022015). Collection method: clinical testing. Allele origin: germline.
Comment: This sequence change replaces tyrosine, which is neutral and polar, with phenylalanine, which is neutral and non-polar, at codon 1889 of the SCN9A protein (p.Tyr1889Phe). This variant is present in population databases (rs201796657, gnomAD 0.004%). This missense change has been observed in individual(s) with clinical features of SCN9A-related conditions (internal data). ClinVar contains an entry for this variant (Variation ID: 471149). Invitae Evidence Modeling of protein sequence and biophysical properties (such as structural, functional, and spatial information, amino acid conservation, physicochemical variation, residue mobility, and thermodynamic stability) indicates that this missense variant is not expected to disrupt SCN9A protein function with a negative predictive value of 95%. In summary, the available evidence is currently insufficient to determine the role of this variant in disease. Therefore, it has been classified as a Variant of Uncertain Significance.

Ambry Genetics
Classification: Uncertain significance for Inborn genetic diseases. Last evaluated: 2021-01-13. Review status: criteria provided, single submitter. Criteria: Ambry Variant Classification Scheme 2023. Collection method: clinical testing. Allele origin: germline.
Comment: The p.Y1889F variant (also known as c.5666A>T), located in coding exon 26 of the SCN9A gene, results from an A to T substitution at nucleotide position 5666. The tyrosine at codon 1889 is replaced by phenylalanine, an amino acid with highly similar properties. This amino acid position is well conserved in available vertebrate species; however, phenylalanine is the reference amino acid in other vertebrate species. In addition, the in silico prediction for this alteration is inconclusive. Since supporting evidence is limited at this time, the clinical significance of this alteration remains unclear.

GeneDx
Classification: Uncertain significance. Last evaluated: 2019-12-12. Review status: criteria provided, single submitter. Criteria: GeneDx Variant Classification Process June 2021. Collection method: clinical testing. Allele origin: germline. Affected: yes.
Comment: Not observed at a significant frequency in large population cohorts (Lek et al., 2016); In silico analysis, which includes protein predictors and evolutionary conservation, supports that this variant does not alter protein structure/function; Has not been previously published as pathogenic or benign to our knowledge

NM_001365536.1(SCN9A):c.5699A>T (p.Tyr1900Phe)

Genes: SCN1A-AS1 (SCN1A and SCN9A antisense RNA 1; plus strand), SCN9A (sodium voltage-gated channel alpha subunit 9; minus strand). Cytogenetic location: 2q24.3.
Variant type: single nucleotide variant.
Coding change: c.5699A>T on transcript NM_001365536.1 (MANE Select); coding-DNA position 5699, A replaced by T.
Protein change: p.Tyr1900Phe; replaces tyrosine 1900 with phenylalanine.
Molecular consequence: missense variant.
Genome position (GRCh38, 1-based): chr2:166,198,940, T>A on the plus strand (A>T on the coding strand, the complement: SCN9A is on the minus strand). VCF-style: chr2-166198940-T-A. GRCh37 (hg19) VCF-style: chr2-167055450-T-A.
Other names: c.5666A>T, p.Tyr1889Phe (NM_002977.4); short protein forms Y1889F, Y1900F.
Identifiers: ClinVar variation 471149 (VCV000471149.13), dbSNP rs201796657, ClinGen allele CA1943633.